The following is an entry in ClinVar:

NM_018206.6(VPS35):c.915-4_915-3del

Gene: VPS35 (VPS35 retromer complex component; minus strand). Cytogenetic location: 16q11.2.
Variant type: Deletion.
Coding change: c.915-4_915-3del on transcript NM_018206.6 (MANE Select); 4 bases into the intron before coding-DNA position 915 through 3 bases into the intron before coding-DNA position 915, 2 bases deleted (TT; older notation c.915-4_915-3delTT).
Molecular consequence: intron variant.
Genome position (GRCh38, 1-based): chr16:46,674,663-46,674,664, AA deleted on the plus strand (TT on the coding strand, the reverse complement: VPS35 is on the minus strand); deleting any 2 consecutive bases within chr16:46,674,663-46,674,676 gives the same sequence; the c. name uses the placement nearest the transcript's 3' end. VCF-style (leftmost placement, unchanged base first): chr16-46674662-TAA-T. GRCh37 (hg19) VCF-style: chr16-46708574-TAA-T.
Other names: NC_000016.9:g.46708587_46708588del; c.915-16_915-15del (NM_018206.6).
Identifiers: ClinVar variation 3044022 (VCV003044022.3), dbSNP rs569369937, ClinGen allele CA8036930.

ClinVar aggregate classification (germline): Benign (0 of 4 stars; one submission).

Conditions:
VPS35-related disorder. Also called: VPS35-related condition.

Submissions (2):

PreventionGenetics, part of Exact Sciences
Classification: Benign for VPS35-related condition. Last evaluated: 2019-06-03. Review status: no assertion criteria provided. Collection method: clinical testing. Allele origin: germline.
Comment: This variant is classified as benign based on ACMG/AMP sequence variant interpretation guidelines (Richards et al. 2015 PMID: 25741868, with internal and published modifications).

Dr. Peter K. Rogan Lab, Western University
No classification provided (evidence only). Condition: Thymoma. Review status: no classification provided. Collection method: in vitro. Allele origin: not applicable. Functional consequence: retained intron. Not counted in ClinVar's aggregate classification.